The following is an entry in ClinVar:

NM_000368.5(TSC1):c.712A>G (p.Lys238Glu)

Gene: TSC1 (TSC complex subunit 1; minus strand). Cytogenetic location: 9q34.13.
Variant type: single nucleotide variant.
Coding change: c.712A>G on transcript NM_000368.5 (MANE Select); coding-DNA position 712, A replaced by G.
Protein change: p.Lys238Glu; replaces lysine 238 with glutamic acid.
Molecular consequence: missense variant. On other transcripts: 5 prime UTR variant (1), non-coding transcript variant (5), intron variant (4).
Genome position (GRCh38, 1-based): chr9:132,921,388, T>C on the plus strand (A>G on the coding strand, the complement: TSC1 is on the minus strand). VCF-style: chr9-132921388-T-C. GRCh37 (hg19) VCF-style: chr9-135796775-T-C.
Other names: c.712A>G, p.Lys238Glu (NM_001162426.2, NM_001406592.1, NM_001406593.1 and 16 more transcripts); c.559A>G, p.Lys187Glu (NM_001162427.2, NM_001406610.1, NM_001406611.1 and 2 more transcripts); c.349A>G, p.Lys117Glu (NM_001362177.2, NM_001406614.1, NM_001406615.1 and 10 more transcripts); c.-382A>G (NM_001406630.1); c.-215+431A>G (NM_001406627.1, NM_001406628.1, NM_001406626.1); c.-357+431A>G (NM_001406629.1); short protein forms K187E, K238E, K117E.
Identifiers: ClinVar variation 2762664 (VCV002762664.4), dbSNP rs397514816, ClinGen allele CA375371312.

ClinVar aggregate classification (germline): Conflicting classifications of pathogenicity. Review status: criteria provided, conflicting classifications (1 of 4 stars). 2 submissions from 2 submitters: Uncertain significance (1); Likely benign (1). Last evaluated 2026-08-18.

Conditions:
Hereditary cancer-predisposing syndrome. Also called: Hereditary Cancer Syndrome; Hereditary neoplastic syndrome; Neoplastic Syndromes, Hereditary; Tumor predisposition. Identifiers: Orphanet 140162, MedGen C0027672, MeSH D009386, MONDO:0015356.
Tuberous sclerosis 1 (TSC1). Identifiers: Orphanet 805, MedGen C1854465, MONDO:0008612, OMIM 191100.

Allele frequency attached by ClinVar (database versions not stated): gnomAD exomes below 0.00001.
gnomAD v4.1: 1 of 1,614,188 alleles (0.000062%); highest among the groups gnomAD compares: South Asian, 0.0011%; no homozygotes.

Submissions (2):

Ambry Genetics
Classification: Uncertain significance for Hereditary cancer-predisposing syndrome. Last evaluated: 2026-08-18. Review status: criteria provided, single submitter. Criteria: Ambry Variant Classification Scheme 2023. Collection method: clinical testing. Allele origin: germline.
Comment: The p.K238E variant (also known as c.712A>G), located in coding exon 6 of the TSC1 gene, results from an A to G substitution at nucleotide position 712. The lysine at codon 238 is replaced by glutamic acid, an amino acid with similar properties. This amino acid position is well conserved in available vertebrate species. In addition, this alteration is predicted to be deleterious by in silico analysis. Based on the available evidence, the clinical significance of this variant remains unclear.

Labcorp Genetics (formerly Invitae), Labcorp
Classification: Likely benign for Tuberous sclerosis 1. Last evaluated: 2023-09-22. Review status: criteria provided, single submitter. Criteria: Invitae Variant Classification Sherloc (09022015). Collection method: clinical testing. Allele origin: germline.